The following is an entry in ClinVar:

ClinVar aggregate classification (germline): Uncertain significance. Review status: criteria provided, multiple submitters, no conflicts (2 of 4 stars). 4 submissions from 4 submitters: Uncertain significance (4). Last evaluated 2026-01-06.

Conditions:
Malignant hyperthermia, susceptibility to, 1 (MHS1). Also called: RYR1-Related Malignant Hyperthermia Susceptibility; Anesthesia related hyperthermia; Malignant hyperpyrexia; Fulminating hyperpyrexia; Pharmacogenic myopathy; Malignant hyperthermia suceptibility 1. Identifiers: Orphanet 423, MedGen C2930980, MONDO:0007783, OMIM 145600.
RYR1-related disorder. Also called: RYR1-related disorders; RYR1-related condition. Identifiers: MedGen CN239331.

Allele frequency attached by ClinVar (database versions not stated): gnomAD 0.00001 and 0.00003; gnomAD exomes 0.00003 and 0.00004; TOPMed 0.00003; ExAC 0.00004; 1000 Genomes Project 30x 0.00016; 1000 Genomes Project 0.00020.
gnomAD v4.1: 47 of 1,613,200 alleles (0.0029%); highest among the groups gnomAD compares: East Asian, 0.0089%; no homozygotes.

Submissions (4):

Labcorp Genetics (formerly Invitae), Labcorp
Classification: Uncertain significance for RYR1-related disorder. Last evaluated: 2026-01-06. Review status: criteria provided, single submitter. Criteria: Invitae Variant Classification Sherloc (09022015). Collection method: clinical testing. Allele origin: germline.
Comment: This sequence change replaces alanine, which is neutral and non-polar, with valine, which is neutral and non-polar, at codon 1014 of the RYR1 protein (p.Ala1014Val). This variant is present in population databases (rs528184462, gnomAD 0.02%). This missense change has been observed in individual(s) with cardiac disease (PMID: 31965297). ClinVar contains an entry for this variant (Variation ID: 1376760). Invitae Evidence Modeling of protein sequence and biophysical properties (such as structural, functional, and spatial information, amino acid conservation, physicochemical variation, residue mobility, and thermodynamic stability) indicates that this missense variant is not expected to disrupt RYR1 protein function with a negative predictive value of 95%. In summary, the available evidence is currently insufficient to determine the role of this variant in disease. Therefore, it has been classified as a Variant of Uncertain Significance.

Color Diagnostics, LLC DBA Color Health
Classification: Uncertain significance for Malignant hyperthermia, susceptibility to, 1. Last evaluated: 2023-11-16. Review status: criteria provided, single submitter. Criteria: ACMG Guidelines, 2015. Collection method: clinical testing. Allele origin: germline.
Comment: This missense variant replaces alanine with valine at codon 1014 of the RYR1 protein. Computational prediction suggests that this variant may not impact protein structure and function. To our knowledge, functional studies have not been reported for this variant. This variant has not been reported in individuals affected with autosomal dominant malignant hyperthermia in the literature, although it is associated with other phenotype(s) (ClinVar variation ID: \\ 1376760). This variant has been identified in 10/279202 chromosomes in the general population by the Genome Aggregation Database (gnomAD). Due to insufficient evidence, this variant is classified as a Variant of Uncertain Significance for autosomal dominant malignant hyperthermia.

GeneDx
Classification: Uncertain significance. Last evaluated: 2023-04-18. Review status: criteria provided, single submitter. Criteria: GeneDx Variant Classification Process June 2021. Collection method: clinical testing. Allele origin: germline. Affected: yes.
Comment: Reported previously in a patient with pneumonia, tracheal stenosis, congenital heart failure, congenital heart defect, and pulmonary hypertension who was compound heterozygous for this variant and second missense variant (Wang et al., 2020); In silico analysis supports that this missense variant does not alter protein structure/function; This variant is associated with the following publications: (PMID: 31965297)

Revvity Omics, Revvity
Classification: Uncertain significance. Last evaluated: 2020-02-25. Review status: criteria provided, single submitter. Criteria: ACMG Guidelines, 2015. Collection method: clinical testing. Allele origin: germline.

Literature cited by the submitters: PubMed 31965297 (cited by Labcorp Genetics (formerly Invitae), Labcorp).

NM_000540.3(RYR1):c.3041C>T (p.Ala1014Val)

Gene: RYR1 (ryanodine receptor 1; plus strand). Cytogenetic location: 19q13.2.
Variant type: single nucleotide variant.
Coding change: c.3041C>T on transcript NM_000540.3 (MANE Select); coding-DNA position 3041, C replaced by T.
Protein change: p.Ala1014Val; replaces alanine 1014 with valine.
Molecular consequence: missense variant.
Genome position (GRCh38, 1-based): chr19:38,466,261, C>T. VCF-style: chr19-38466261-C-T. GRCh37 (hg19) VCF-style: chr19-38956901-C-T.
Other names: c.3041C>T (NM_000540.2); c.3041C>T, p.Ala1014Val (NM_001042723.2); short protein forms A1014V.
Identifiers: ClinVar variation 1376760 (VCV001376760.10), dbSNP rs528184462, ClinGen allele CA064329.